The following is an entry in ClinVar:

ClinVar aggregate classification (germline): Uncertain significance (1 of 4 stars; one submission).

Submission:

Labcorp Genetics (formerly Invitae), Labcorp
Classification: Uncertain significance. Last evaluated: 2025-02-17. Review status: criteria provided, single submitter. Criteria: Invitae Variant Classification Sherloc (09022015). Collection method: clinical testing. Allele origin: germline.
Comment: This sequence change replaces cysteine, which is neutral and slightly polar, with tyrosine, which is neutral and polar, at codon 245 of the DLL1 protein (p.Cys245Tyr). This variant is not present in population databases (gnomAD no frequency). This variant has not been reported in the literature in individuals affected with DLL1-related conditions. ClinVar contains an entry for this variant (Variation ID: 2873353). An algorithm developed to predict the effect of missense changes on protein structure and function (PolyPhen-2) suggests that this variant is likely to be disruptive. In summary, the available evidence is currently insufficient to determine the role of this variant in disease. Therefore, it has been classified as a Variant of Uncertain Significance.

NM_005618.4(DLL1):c.734G>A (p.Cys245Tyr)

Gene: DLL1 (delta like canonical Notch ligand 1; minus strand). Cytogenetic location: 6q27.
Variant type: single nucleotide variant.
Coding change: c.734G>A on transcript NM_005618.4 (MANE Select); coding-DNA position 734, G replaced by A.
Protein change: p.Cys245Tyr; replaces cysteine 245 with tyrosine.
Molecular consequence: missense variant.
Genome position (GRCh38, 1-based): chr6:170,285,697, C>T on the plus strand (G>A on the coding strand, the complement: DLL1 is on the minus strand). VCF-style: chr6-170285697-C-T. GRCh37 (hg19) VCF-style: chr6-170594785-C-T.
Other names: short protein forms C245Y.
Identifiers: ClinVar variation 2873353 (VCV002873353.3), dbSNP rs2483352677, ClinGen allele CA366508877.